The following is an entry in ClinVar:

ClinVar aggregate classification (germline): Likely benign. Review status: criteria provided, multiple submitters, no conflicts (2 of 4 stars). 2 submissions from 2 submitters: Likely benign (2). Last evaluated 2026-07-24.

Conditions:
DST-related disorder. Also called: DST-related condition; DST-related disorders.

Allele frequency attached by ClinVar (database versions not stated): ExAC 0.00004; TOPMed 0.00007.
gnomAD v4.1: 57 of 1,613,668 alleles (0.0035%); highest among the groups gnomAD compares: Middle Eastern, 0.1%; no homozygotes.

Submissions (2):

PreventionGenetics, part of Exact Sciences
Classification: Likely benign for DST-related condition. Last evaluated: 2026-07-24. Review status: criteria provided, single submitter. Criteria: ACMG Guidelines, 2015. Collection method: clinical testing. Allele origin: germline.
Comment: This variant is classified as likely benign based on ACMG/AMP sequence variant interpretation guidelines (Richards et al. 2015 PMID: 25741868, with internal and published modifications).

CeGaT Center for Human Genetics Tuebingen
Classification: Likely benign. Last evaluated: 2022-03-01. Review status: criteria provided, single submitter. Criteria: CeGaT Center For Human Genetics Tuebingen Variant Classification Criteria Version 2. Collection method: clinical testing. Allele origin: germline. Affected: yes. Observed: 1 variant allele.
Comment: DST: BP4, BP7

NM_001374736.1(DST):c.588G>A (p.Val196=)

Genes: DST (dystonin; minus strand), DST-AS1 (DST antisense RNA 1; plus strand). Cytogenetic location: 6p12.1.
Variant type: single nucleotide variant.
Coding change: c.588G>A on transcript NM_001374736.1 (MANE Select); coding-DNA position 588, G replaced by A.
Protein change: p.Val196=; no amino-acid change (valine 196 retained).
Molecular consequence: synonymous variant.
Genome position (GRCh38, 1-based): chr6:56,851,434, C>T on the plus strand (G>A on the coding strand, the complement: DST is on the minus strand). VCF-style: chr6-56851434-C-T. GRCh37 (hg19) VCF-style: chr6-56716232-C-T.
Other names: c.588G>A (NM_001144769.2); c.588G>A, p.Val196= (NM_001144769.5, NM_001374722.1); c.174G>A, p.Val58= (NM_001144770.2); c.615G>A, p.Val205= (NM_001374734.1).
Identifiers: ClinVar variation 2656679 (VCV002656679.25), dbSNP rs775290270, ClinGen allele CA3871949.
Genomic context (GRCh38, chr6:56,851,434, plus strand): 5'-TCCCCTTCCCCAGATGCTCTTACCTGCTATCCGAAGCACTGCCCTCTCGGCAGGGTCCAG[C>T]ACTGAGCCCCCTTGAATCTTTCTTTTCGATCTCTCATGTTTAGGCAAATTCCAGGGTAAG-3'
Protein context (NP_001361665.1, residues 186-206): RSKRKIQGGS[Val196=]LDPAERAVLR